The following is an entry in ClinVar:

NM_018676.4(THSD1):c.2081G>T (p.Arg694Ile)

Gene: THSD1 (thrombospondin type 1 domain containing 1; minus strand). Cytogenetic location: 13q14.3.
Variant type: single nucleotide variant.
Coding change: c.2081G>T on transcript NM_018676.4 (MANE Select); coding-DNA position 2081, G replaced by T.
Protein change: p.Arg694Ile; replaces arginine 694 with isoleucine.
Molecular consequence: missense variant.
Genome position (GRCh38, 1-based): chr13:52,377,889, C>A on the plus strand (G>T on the coding strand, the complement: THSD1 is on the minus strand). VCF-style: chr13-52377889-C-A. GRCh37 (hg19) VCF-style: chr13-52952024-C-A.
Other names: c.1922G>T, p.Arg641Ile (NM_199263.3); short protein forms R641I, R694I.
Identifiers: ClinVar variation 4981895 (VCV004981895.1).

ClinVar aggregate classification (germline): Likely benign (1 of 4 stars; one submission).

Conditions:
THSD1-related disorder. Also called: THSD1-related condition.

gnomAD v4.1: 7,467 of 1,614,214 alleles (0.46%); highest among the groups gnomAD compares: African/African-American, 4%; 103 homozygotes.

Submission:

PreventionGenetics, part of Exact Sciences
Classification: Likely benign for THSD1-related condition. Last evaluated: 2026-02-11. Review status: criteria provided, single submitter. Criteria: ACMG Guidelines, 2015. Collection method: clinical testing. Allele origin: germline.
Comment: This variant is classified as likely benign based on ACMG/AMP sequence variant interpretation guidelines (Richards et al. 2015 PMID: 25741868, with internal and published modifications).